The following is an entry in ClinVar:

ClinVar aggregate classification (germline): Uncertain significance (1 of 4 stars; one submission).

Allele frequency attached by ClinVar (database versions not stated): gnomAD exomes below 0.00001.
gnomAD v4.1: 1 of 1,614,154 alleles (0.000062%); highest among the groups gnomAD compares: Non-Finnish European, 0.000085%; no homozygotes.

Submission:

Labcorp Genetics (formerly Invitae), Labcorp
Classification: Uncertain significance. Last evaluated: 2022-03-19. Review status: criteria provided, single submitter. Criteria: Invitae Variant Classification Sherloc (09022015). Collection method: clinical testing. Allele origin: germline.
Comment: In summary, the available evidence is currently insufficient to determine the role of this variant in disease. Therefore, it has been classified as a Variant of Uncertain Significance. Algorithms developed to predict the effect of missense changes on protein structure and function output the following: SIFT: "Tolerated"; PolyPhen-2: "Benign"; Align-GVGD: "Class C0". The serine amino acid residue is found in multiple mammalian species, which suggests that this missense change does not adversely affect protein function. This variant has not been reported in the literature in individuals affected with SZT2-related conditions. This variant is not present in population databases (gnomAD no frequency). This sequence change replaces threonine, which is neutral and polar, with serine, which is neutral and polar, at codon 2910 of the SZT2 protein (p.Thr2910Ser).

NM_001365999.1(SZT2):c.8900C>G (p.Thr2967Ser)

Gene: SZT2 (SZT2 subunit of KICSTOR complex; plus strand). Cytogenetic location: 1p34.2.
Variant type: single nucleotide variant.
Coding change: c.8900C>G on transcript NM_001365999.1 (MANE Select); coding-DNA position 8900, C replaced by G.
Protein change: p.Thr2967Ser; replaces threonine 2967 with serine.
Molecular consequence: missense variant.
Genome position (GRCh38, 1-based): chr1:43,445,968, C>G. VCF-style: chr1-43445968-C-G. GRCh37 (hg19) VCF-style: chr1-43911639-C-G.
Other names: c.8729C>G, p.Thr2910Ser (NM_015284.4); short protein forms T2967S, T2910S.
Identifiers: ClinVar variation 1487388 (VCV001487388.8), dbSNP rs1306643033, ClinGen allele CA340041336.